The following is an entry in ClinVar:

ClinVar aggregate classification (germline): Uncertain significance (1 of 4 stars; one submission).

Conditions:
Treacher Collins syndrome 1 (TCS1). Also called: TCOF1-Related Treacher Collins Syndrome. Identifiers: Orphanet 861, MedGen CN315775, MONDO:0007944, OMIM 154500.

Allele frequency attached by ClinVar (database versions not stated): gnomAD exomes below 0.00001; TOPMed below 0.00001; ExAC 0.00001; gnomAD 0.00001.
gnomAD v4.1: 4 of 1,614,166 alleles (0.00025%); highest among the groups gnomAD compares: African/African-American, 0.0013%; no homozygotes.

Submission:

Labcorp Genetics (formerly Invitae), Labcorp
Classification: Uncertain significance for Treacher Collins syndrome 1. Last evaluated: 2018-07-02. Review status: criteria provided, single submitter. Criteria: Invitae Variant Classification Sherloc (09022015). Collection method: clinical testing. Allele origin: germline.
Comment: In summary, the available evidence is currently insufficient to determine the role of this variant in disease. Therefore, it has been classified as a Variant of Uncertain Significance. Algorithms developed to predict the effect of missense changes on protein structure and function output the following: SIFT: "Deleterious"; PolyPhen-2: "Benign"; Align-GVGD: "Class C0". The leucine amino acid residue is found in multiple mammalian species, suggesting that this missense change does not adversely affect protein function. These predictions have not been confirmed by published functional studies and their clinical significance is uncertain. This variant has not been reported in the literature in individuals with TCOF1-related disease. This variant is present in population databases (rs768747268, ExAC 0.001%). This sequence change replaces proline with leucine at codon 1229 of the TCOF1 protein (p.Pro1229Leu). The proline residue is highly conserved and there is a moderate physicochemical difference between proline and leucine.

NM_001371623.1(TCOF1):c.3689C>T (p.Pro1230Leu)

Gene: TCOF1 (treacle ribosome biogenesis factor 1; plus strand). Cytogenetic location: 5q32.
Variant type: single nucleotide variant.
Coding change: c.3689C>T on transcript NM_001371623.1 (MANE Select); coding-DNA position 3689, C replaced by T.
Protein change: p.Pro1230Leu; replaces proline 1230 with leucine.
Molecular consequence: missense variant.
Genome position (GRCh38, 1-based): chr5:150,393,457, C>T. VCF-style: chr5-150393457-C-T. GRCh37 (hg19) VCF-style: chr5-149773020-C-T.
Other names: c.3455C>T, p.Pro1152Leu (NM_000356.4); c.3686C>T, p.Pro1229Leu (NM_001135243.2); c.3575C>T, p.Pro1192Leu (NM_001135244.2); c.3458C>T, p.Pro1153Leu (NM_001135245.2); c.3572C>T, p.Pro1191Leu (NM_001195141.2); short protein forms P1152L, P1153L, P1191L, P1192L, P1229L, P1230L.
Identifiers: ClinVar variation 661613 (VCV000661613.9), dbSNP rs768747268, ClinGen allele CA3511576.